The following is an entry in ClinVar:

ClinVar aggregate classification (germline): Uncertain significance (1 of 4 stars; one submission).

Conditions:
Hereditary cancer-predisposing syndrome. Also called: Tumor predisposition; Hereditary Cancer Syndrome; Hereditary neoplastic syndrome; Neoplastic Syndromes, Hereditary. Identifiers: Orphanet 140162, MedGen C0027672, MeSH D009386, MONDO:0015356.

Submission:

Ambry Genetics
Classification: Uncertain significance for Hereditary cancer-predisposing syndrome. Last evaluated: 2020-05-20. Review status: criteria provided, single submitter. Criteria: Ambry Variant Classification Scheme 2023. Collection method: clinical testing. Allele origin: germline.
Comment: The p.N634D variant (also known as c.1900A>G), located in coding exon 16 of the MRE11A gene, results from an A to G substitution at nucleotide position 1900. The asparagine at codon 634 is replaced by aspartic acid, an amino acid with highly similar properties. This amino acid position is well conserved in available vertebrate species. In addition, this alteration is predicted to be tolerated by in silico analysis. Since supporting evidence is limited at this time, the clinical significance of this alteration remains unclear.

NM_005591.4(MRE11):c.1900A>G (p.Asn634Asp)

Gene: MRE11 (MRE11 double strand break repair nuclease; minus strand). Cytogenetic location: 11q21.
Variant type: single nucleotide variant.
Coding change: c.1900A>G on transcript NM_005591.4 (MANE Select); coding-DNA position 1900, A replaced by G.
Protein change: p.Asn634Asp; replaces asparagine 634 with aspartic acid.
Molecular consequence: missense variant.
Genome position (GRCh38, 1-based): chr11:94,437,203, T>C on the plus strand (A>G on the coding strand, the complement: MRE11 is on the minus strand). VCF-style: chr11-94437203-T-C. GRCh37 (hg19) VCF-style: chr11-94170369-T-C.
Other names: c.1897A>G, p.Asn633Asp (NM_001330347.2); c.1816A>G, p.Asn606Asp (NM_005590.4); short protein forms N634D, N633D, N606D.
Identifiers: ClinVar variation 485821 (VCV000485821.5), dbSNP rs1555002410, ClinGen allele CA382374730.
Genomic context (GRCh38, chr11:94,437,203, plus strand): 5'-TATTAATACACAACCATAAAACTTTTTTTCTTACCTCTGAATAATTCTTAGTAGTGACAT[T>C]TCGGGAAGGCTGCTGTCTTGTAGATTTAAAGGCTAGAATGAAAAAGATGAAATGTGCATT-3'
Protein context (NP_005582.1, residues 624-644): FKSTRQQPSR[Asn634Asp]VTTKNYSEVI